The following is an entry in ClinVar:

ClinVar aggregate classification (germline): Uncertain significance (1 of 4 stars; one submission).

Conditions:
Aortic aneurysm, familial thoracic 7 (AAT7). Also called: AORTIC DISSECTION, FAMILIAL, WITH OR WITHOUT AORTIC ANEURYSM. Identifiers: MedGen C3151077, MONDO:0013418, OMIM 613780.

gnomAD v4.1: 6 of 1,614,080 alleles (0.00037%); highest among the groups gnomAD compares: Non-Finnish European, 0.00051%; no homozygotes.

Submission:

Labcorp Genetics (formerly Invitae), Labcorp
Classification: Uncertain significance for Aortic aneurysm, familial thoracic 7. Last evaluated: 2025-09-09. Review status: criteria provided, single submitter. Criteria: Invitae Variant Classification Sherloc (09022015). Collection method: clinical testing. Allele origin: germline.
Comment: This sequence change replaces glycine, which is neutral and non-polar, with arginine, which is basic and polar, at codon 388 of the MYLK protein (p.Gly388Arg). This variant is present in population databases (rs771223914, gnomAD 0.003%). This variant has not been reported in the literature in individuals affected with MYLK-related conditions. Invitae Evidence Modeling of protein sequence and biophysical properties (such as structural, functional, and spatial information, amino acid conservation, physicochemical variation, residue mobility, and thermodynamic stability) indicates that this missense variant is not expected to disrupt MYLK protein function with a negative predictive value of 95%. In summary, the available evidence is currently insufficient to determine the role of this variant in disease. Therefore, it has been classified as a Variant of Uncertain Significance.

NM_053025.4(MYLK):c.1162G>C (p.Gly388Arg)

Gene: MYLK (myosin light chain kinase; minus strand). Cytogenetic location: 3q21.1.
Variant type: single nucleotide variant.
Coding change: c.1162G>C on transcript NM_053025.4 (MANE Select); coding-DNA position 1162, G replaced by C.
Protein change: p.Gly388Arg; replaces glycine 388 with arginine.
Molecular consequence: missense variant.
Genome position (GRCh38, 1-based): chr3:123,733,834, C>G on the plus strand (G>C on the coding strand, the complement: MYLK is on the minus strand). VCF-style: chr3-123733834-C-G. GRCh37 (hg19) VCF-style: chr3-123452681-C-G.
Other names: c.634G>C, p.Gly212Arg (NM_001321309.2); c.1162G>C, p.Gly388Arg (NM_053026.4, NM_053027.4, NM_053028.4); short protein forms G212R, G388R.
Identifiers: ClinVar variation 4706968 (VCV004706968.1).
Genomic context (GRCh38, chr3:123,733,834, plus strand): 5'-GGCCCTCCATGGGGATTCTCCTGTTAGCAGCCTTGCTCACAACATCTTGGCTCCCCAGGC[C>G]AGGCTGCCTGGTGGGGAAGGTGGCTGGACGGGGAGGAGCTGGCCTCTTCCTCTCTTCTCC-3'
Protein context (NP_444253.3, residues 378-398): RPATFPTRQP[Gly388Arg]LGSQDVVSKA